The following is an entry in ClinVar:

ClinVar aggregate classification (germline): Likely pathogenic. Review status: criteria provided, multiple submitters, no conflicts (2 of 4 stars). 2 submissions from 2 submitters: Likely pathogenic (2). Last evaluated 2023-08-15.

Conditions:
Wolfram syndrome 1 (WFS1). Identifiers: Orphanet 3463, MedGen C4551693, MONDO:0009101, OMIM 222300.

Submissions (2):

Department Of Endocrinology, Sanjay Gandhi Postgraduate Institute Of Medical Sciences
Classification: Likely pathogenic for Wolfram syndrome 1. Last evaluated: 2023-08-15. Review status: criteria provided, single submitter. Criteria: ACMG Guidelines, 2015. Collection method: clinical testing. Allele origin: biparental. Inheritance: Autosomal recessive inheritance. Affected: yes. Observed: 1 homozygote.
Comment: Homozygous in-frame insertion of nine nucleotides (GCCTTCTTC) at position 1032 IN EXON 8 OF WFS1 gene. This resulted in the insertion of three amino acids (AFF) at codon 344. Protein length changes as a result of in-frame insertion in a non repeat region. The variant has not been reported in the 1000 genomes database and has a minor allele frequency of 0.0007% and 0.001% in the gnomAD. The variant has previously been described to be associated with wolfram syndrome by reputable sources, but the evidence is not available with the laboratory to perform an independent evaluation. They were normoglycemic. PM1, PM2, PM3, PM4, PP5

MGZ Medical Genetics Center
Classification: Likely pathogenic for Wolfram syndrome 1. Last evaluated: 2022-05-25. Review status: criteria provided, single submitter. Criteria: ACMG Guidelines, 2015. Collection method: clinical testing. Allele origin: germline. Affected: yes. Observed: 1 variant allele.
Comment: ACMG criteria applied: PM3, PM4, PM2_SUP, PP4

Literature cited by the submitters: PubMed 15277431 (cited by Department Of Endocrinology, Sanjay Gandhi Postgraduate Institute Of Medical Sciences); PubMed 25211237 (cited by Department Of Endocrinology, Sanjay Gandhi Postgraduate Institute Of Medical Sciences).

NM_006005.3(WFS1):c.1024_1032dup (p.Phe344_Ile345insAlaPhePhe)

Gene: WFS1 (wolframin ER transmembrane glycoprotein; plus strand). Cytogenetic location: 4p16.1.
Variant type: Duplication.
Coding change: c.1024_1032dup on transcript NM_006005.3 (MANE Select); coding-DNA positions 1024 to 1032, 9 bases duplicated (GCCTTCTTC; older notation c.1024_1032dupGCCTTCTTC).
Protein change: p.Phe344_Ile345insAlaPhePhe.
Molecular consequence: inframe insertion.
Genome position (GRCh38, 1-based): chr4:6,300,819-6,300,827, GCCTTCTTC duplicated; duplicating any 9 consecutive bases within chr4:6,300,812-6,300,827 gives the same sequence; the c. name uses the placement nearest the transcript's 3' end. VCF-style (leftmost placement, unchanged base first): chr4-6300811-A-ACTTCTTCGC. GRCh37 (hg19) VCF-style: chr4-6302538-A-ACTTCTTCGC.
Other names: NG_011700.1:g.35970_35978dup; NM_006005.3:c.1032_1033insGCCTTCTTC; NP_005996.2:p.(Ala342_Phe344dup); c.1024_1032dup, p.Phe344_Ile345insAlaPhePhe (NM_001145853.1).
Identifiers: ClinVar variation 1709484 (VCV001709484.3), dbSNP rs931042621, ClinGen allele CA91796222.